The following is an entry in ClinVar:

ClinVar aggregate classification (germline): Uncertain significance (1 of 4 stars; one submission).

Conditions:
Dilated cardiomyopathy 1O (CMD1O). Also called: CARDIOMYOPATHY, DILATED, WITH VENTRICULAR TACHYCARDIA. Identifiers: Orphanet 154, MedGen C1837839, MONDO:0012062, OMIM 608569.

Submission:

Labcorp Genetics (formerly Invitae), Labcorp
Classification: Uncertain significance for Dilated cardiomyopathy 1O. Last evaluated: 2025-07-28. Review status: criteria provided, single submitter. Criteria: Invitae Variant Classification Sherloc (09022015). Collection method: clinical testing. Allele origin: germline.
Comment: This sequence change replaces alanine, which is neutral and non-polar, with threonine, which is neutral and polar, at codon 509 of the ABCC9 protein (p.Ala509Thr). This variant is not present in population databases (gnomAD no frequency). This variant has not been reported in the literature in individuals affected with ABCC9-related conditions. ClinVar contains an entry for this variant (Variation ID: 1462246). Invitae Evidence Modeling of protein sequence and biophysical properties (such as structural, functional, and spatial information, amino acid conservation, physicochemical variation, residue mobility, and thermodynamic stability) indicates that this missense variant is expected to disrupt ABCC9 protein function with a positive predictive value of 80%. In summary, the available evidence is currently insufficient to determine the role of this variant in disease. Therefore, it has been classified as a Variant of Uncertain Significance.

NM_020297.4(ABCC9):c.1525G>A (p.Ala509Thr)

Gene: ABCC9 (ATP binding cassette subfamily C member 9; minus strand). Cytogenetic location: 12p12.1.
Variant type: single nucleotide variant.
Coding change: c.1525G>A on transcript NM_020297.4 (MANE Select); coding-DNA position 1525, G replaced by A.
Protein change: p.Ala509Thr; replaces alanine 509 with threonine.
Molecular consequence: missense variant.
Genome position (GRCh38, 1-based): chr12:21,906,219, C>T on the plus strand (G>A on the coding strand, the complement: ABCC9 is on the minus strand). VCF-style: chr12-21906219-C-T. GRCh37 (hg19) VCF-style: chr12-22059153-C-T.
Other names: c.1525G>A, p.Ala509Thr (NM_001377273.1, NM_005691.4); c.661G>A, p.Ala221Thr (NM_001377274.1); short protein forms A221T, A509T.
Identifiers: ClinVar variation 1462246 (VCV001462246.8), dbSNP rs2137838038, ClinGen allele CA384139314.